The following is an entry in ClinVar:

ClinVar aggregate classification (germline): Uncertain significance (1 of 4 stars; one submission).

Allele frequency attached by ClinVar (database versions not stated): gnomAD exomes below 0.00001; ExAC 0.00001; gnomAD 0.00001; TOPMed 0.00001.
gnomAD v4.1: 4 of 1,614,050 alleles (0.00025%); highest among the groups gnomAD compares: East Asian, 0.0022%; no homozygotes.

Submission:

Labcorp Genetics (formerly Invitae), Labcorp
Classification: Uncertain significance. Last evaluated: 2023-06-17. Review status: criteria provided, single submitter. Criteria: Invitae Variant Classification Sherloc (09022015). Collection method: clinical testing. Allele origin: germline.
Comment: In summary, the available evidence is currently insufficient to determine the role of this variant in disease. Therefore, it has been classified as a Variant of Uncertain Significance. An algorithm developed to predict the effect of missense changes on protein structure and function (PolyPhen-2) suggests that this variant is likely to be disruptive. This variant has not been reported in the literature in individuals affected with MICAL1-related conditions. This variant is present in population databases (rs775269055, gnomAD 0.007%). This sequence change replaces valine, which is neutral and non-polar, with methionine, which is neutral and non-polar, at codon 274 of the MICAL1 protein (p.Val274Met).

NM_022765.4(MICAL1):c.763G>A (p.Val255Met)

Gene: MICAL1 (microtubule associated monooxygenase, calponin and LIM domain containing 1; minus strand). Cytogenetic location: 6q21.
Variant type: single nucleotide variant.
Coding change: c.763G>A on transcript NM_022765.4 (MANE Select); coding-DNA position 763, G replaced by A.
Protein change: p.Val255Met; replaces valine 255 with methionine.
Molecular consequence: missense variant.
Genome position (GRCh38, 1-based): chr6:109,452,315, C>T on the plus strand (G>A on the coding strand, the complement: MICAL1 is on the minus strand). VCF-style: chr6-109452315-C-T. GRCh37 (hg19) VCF-style: chr6-109773518-C-T.
Other names: c.763G>A, p.Val255Met (NM_001159291.2); c.820G>A, p.Val274Met (NM_001286613.2); short protein forms V274M, V255M.
Identifiers: ClinVar variation 2992200 (VCV002992200.3), dbSNP rs775269055, ClinGen allele CA3953632.